The following is an entry in ClinVar:

ClinVar aggregate classification (germline): Uncertain significance (1 of 4 stars; one submission).

Submission:

GeneDx
Classification: Uncertain significance. Last evaluated: 2022-03-07. Review status: criteria provided, single submitter. Criteria: GeneDx Variant Classification Process June 2021. Collection method: clinical testing. Allele origin: germline. Affected: yes.
Comment: Not observed at significant frequency in large population cohorts (gnomAD); In silico analysis supports that this missense variant does not alter protein structure/function; Has not been previously published as pathogenic or benign to our knowledge

NM_001371928.1(AHDC1):c.2890G>C (p.Ala964Pro)

Gene: AHDC1 (AT-hook DNA binding motif containing 1; minus strand). Cytogenetic location: 1p36.11.
Variant type: single nucleotide variant.
Coding change: c.2890G>C on transcript NM_001371928.1 (MANE Select); coding-DNA position 2890, G replaced by C.
Protein change: p.Ala964Pro; replaces alanine 964 with proline.
Molecular consequence: missense variant.
Genome position (GRCh38, 1-based): chr1:27,549,226, C>G on the plus strand (G>C on the coding strand, the complement: AHDC1 is on the minus strand). VCF-style: chr1-27549226-C-G. GRCh37 (hg19) VCF-style: chr1-27875737-C-G.
Other names: c.2890G>C, p.Ala964Pro (NM_001029882.3); short protein forms A964P.
Identifiers: ClinVar variation 1704873 (VCV001704873.2), dbSNP rs773401303, ClinGen allele CA339229211.
Genomic context (GRCh38, chr1:27,549,226, plus strand): 5'-TTGGGGCGAATACGCTTTGTCCGGCCCCATAGCCGCCGTACTGGGGCAGGTAGGTGTTGG[C>G]AGGCGGGTGGGTGGTAGGTGAGCGGGCCATGGCTGAGGGCGGGGGCACCAGCTTGGGGAA-3'
Protein context (NP_001358857.1, residues 954-974): MARSPTTHPP[Ala964Pro]NTYLPQYGGY